The following is an entry in ClinVar:

ClinVar aggregate classification (germline): Uncertain significance (1 of 4 stars; one submission).

Conditions:
Epidermodysplasia verruciformis. Identifiers: Orphanet 302, MedGen C0014522, MONDO:0009176.

Allele frequency attached by ClinVar (database versions not stated): gnomAD exomes 0.00002 and 0.00006; ExAC 0.00003; gnomAD 0.00003 and 0.00004; TOPMed 0.00003; ESP Exome Variant Server 0.00008.
gnomAD v4.1: 36 of 1,613,374 alleles (0.0022%); highest among the groups gnomAD compares: Admixed American, 0.005%; no homozygotes.

Submission:

Labcorp Genetics (formerly Invitae), Labcorp
Classification: Uncertain significance for Epidermodysplasia verruciformis. Last evaluated: 2025-12-01. Review status: criteria provided, single submitter. Criteria: Invitae Variant Classification Sherloc (09022015). Collection method: clinical testing. Allele origin: germline.
Comment: This sequence change replaces alanine, which is neutral and non-polar, with threonine, which is neutral and polar, at codon 442 of the TMC8 protein (p.Ala442Thr). This variant is present in population databases (rs144134870, gnomAD 0.1%). This variant has not been reported in the literature in individuals affected with TMC8-related conditions. ClinVar contains an entry for this variant (Variation ID: 863420). Invitae Evidence Modeling of protein sequence and biophysical properties (such as structural, functional, and spatial information, amino acid conservation, physicochemical variation, residue mobility, and thermodynamic stability) indicates that this missense variant is not expected to disrupt TMC8 protein function with a negative predictive value of 80%. In summary, the available evidence is currently insufficient to determine the role of this variant in disease. Therefore, it has been classified as a Variant of Uncertain Significance.

NM_152468.5(TMC8):c.1324G>A (p.Ala442Thr)

Gene: TMC8 (transmembrane channel like 8; plus strand). Cytogenetic location: 17q25.3.
Variant type: single nucleotide variant.
Coding change: c.1324G>A on transcript NM_152468.5 (MANE Select); coding-DNA position 1324, G replaced by A.
Protein change: p.Ala442Thr; replaces alanine 442 with threonine.
Molecular consequence: missense variant.
Genome position (GRCh38, 1-based): chr17:78,137,789, G>A. VCF-style: chr17-78137789-G-A. GRCh37 (hg19) VCF-style: chr17-76133870-G-A.
Other names: short protein forms A442T.
Identifiers: ClinVar variation 863420 (VCV000863420.9), dbSNP rs144134870, ClinGen allele CA8796808.